The following is an entry in ClinVar:

NM_032634.4(PIGO):c.2252C>T (p.Ala751Val)

Gene: PIGO (phosphatidylinositol glycan anchor biosynthesis class O; minus strand). Cytogenetic location: 9p13.3.
Variant type: single nucleotide variant.
Coding change: c.2252C>T on transcript NM_032634.4 (MANE Select); coding-DNA position 2252, C replaced by T.
Protein change: p.Ala751Val; replaces alanine 751 with valine.
Molecular consequence: missense variant. On other transcripts: intron variant (2).
Genome position (GRCh38, 1-based): chr9:35,091,635, G>A on the plus strand (C>T on the coding strand, the complement: PIGO is on the minus strand). VCF-style: chr9-35091635-G-A. GRCh37 (hg19) VCF-style: chr9-35091632-G-A.
Other names: c.1345-344C>T (NM_152850.4, NM_001201484.2); short protein forms A751V.
Identifiers: ClinVar variation 1000432 (VCV001000432.8), dbSNP rs1461400949, ClinGen allele CA373320483.

ClinVar aggregate classification (germline): Uncertain significance (1 of 4 stars; one submission).

Conditions:
Hyperphosphatasia with impaired intellectual development syndrome 2. Also called: Hyperphosphatasia with intellectual disability syndrome 2; GLYCOSYLPHOSPHATIDYLINOSITOL BIOSYNTHESIS DEFECT 6. Identifiers: Orphanet 247262, MedGen C3553637, MONDO:0013882, OMIM 614749.

Allele frequency attached by ClinVar (database versions not stated): gnomAD exomes below 0.00001.
gnomAD v4.1: 3 of 1,613,460 alleles (0.00019%); highest among the groups gnomAD compares: Non-Finnish European, 0.00025%; no homozygotes.

Submission:

Labcorp Genetics (formerly Invitae), Labcorp
Classification: Uncertain significance for Hyperphosphatasia with impaired intellectual development syndrome 2. Last evaluated: 2022-08-23. Review status: criteria provided, single submitter. Criteria: Invitae Variant Classification Sherloc (09022015). Collection method: clinical testing. Allele origin: germline.
Comment: This variant has not been reported in the literature in individuals affected with PIGO-related conditions. In summary, the available evidence is currently insufficient to determine the role of this variant in disease. Therefore, it has been classified as a Variant of Uncertain Significance. Algorithms developed to predict the effect of missense changes on protein structure and function (SIFT, PolyPhen-2, Align-GVGD) all suggest that this variant is likely to be tolerated. ClinVar contains an entry for this variant (Variation ID: 1000432). This variant is not present in population databases (gnomAD no frequency). This sequence change replaces alanine, which is neutral and non-polar, with valine, which is neutral and non-polar, at codon 751 of the PIGO protein (p.Ala751Val).